The following is an entry in ClinVar:

ClinVar aggregate classification (germline): Pathogenic (0 of 4 stars; one submission).

Submission:

GenMed Metabolism Lab
Classification: Pathogenic. Review status: no assertion criteria provided. Collection method: not provided. Allele origin: unknown.
Comment: p.Ile160Asn, Neonatal
ClinVar note: Converted during submission from pathogenic to Pathogenic.

NM_000531.6(OTC):c.479T>A (p.Ile160Asn)

Gene: OTC (ornithine transcarbamylase; plus strand). Cytogenetic location: Xp11.4.
Variant type: single nucleotide variant.
Coding change: c.479T>A on transcript NM_000531.6 (MANE Select); coding-DNA position 479, T replaced by A.
Protein change: p.Ile160Asn; replaces isoleucine 160 with asparagine.
Molecular consequence: missense variant.
Genome position (GRCh38, 1-based): chrX:38,401,367, T>A. VCF-style: chrX-38401367-T-A. GRCh37 (hg19) VCF-style: chrX-38260620-T-A.
Other names: short protein forms I160N.
Identifiers: ClinVar variation 97212 (VCV000097212.2), dbSNP rs67954347, ClinGen allele CA224628.
Genomic context (GRCh38, chrX:38,401,367, plus strand): 5'-CTCGAGTGTATAAACAATCAGATTTGGACACCCTGGCTAAAGAAGCATCCATCCCAATTA[T>A]CAATGGGCTGTCAGATTTGTACCATCCTATCCAGATCCTGGCTGATTACCTCACGCTCCA-3'
Protein context (NP_000522.3, residues 150-170): TLAKEASIPI[Ile160Asn]NGLSDLYHPI